The following is an entry in ClinVar:

NM_002354.3(EPCAM):c.321C>G (p.Ala107=)

Gene: EPCAM (epithelial cell adhesion molecule; plus strand). Cytogenetic location: 2p21.
Variant type: single nucleotide variant.
Coding change: c.321C>G on transcript NM_002354.3 (MANE Select); coding-DNA position 321, C replaced by G.
Protein change: p.Ala107=; no amino-acid change (alanine 107 retained).
Molecular consequence: synonymous variant.
Genome position (GRCh38, 1-based): chr2:47,373,944, C>G. VCF-style: chr2-47373944-C-G. GRCh37 (hg19) VCF-style: chr2-47601083-C-G.
Identifiers: ClinVar variation 808743 (VCV000808743.37), dbSNP rs201970884, ClinGen allele CA426119288.

ClinVar aggregate classification (germline): Likely benign. Review status: criteria provided, multiple submitters, no conflicts (2 of 4 stars). 2 submissions from 2 submitters: Likely benign (2). Last evaluated 2024-10-01.

Conditions:
Hereditary cancer-predisposing syndrome. Also called: Neoplastic Syndromes, Hereditary; Hereditary neoplastic syndrome; Tumor predisposition; Hereditary Cancer Syndrome. Identifiers: Orphanet 140162, MedGen C0027672, MeSH D009386, MONDO:0015356.

gnomAD v4.1: 1 of 1,614,030 alleles (0.000062%); highest among the groups gnomAD compares: Non-Finnish European, 0.000085%; no homozygotes.

Submissions (2):

CeGaT Center for Human Genetics Tuebingen
Classification: Likely benign. Last evaluated: 2024-10-01. Review status: criteria provided, single submitter. Criteria: CeGaT Center For Human Genetics Tuebingen Variant Classification Criteria Version 2. Collection method: clinical testing. Allele origin: germline. Affected: yes. Observed: 3 variant alleles.
Comment: EPCAM: BP4, BP7

Ambry Genetics
Classification: Likely benign for Hereditary cancer-predisposing syndrome. Last evaluated: 2022-02-22. Review status: criteria provided, single submitter. Criteria: Ambry Variant Classification Scheme 2023. Collection method: clinical testing. Allele origin: germline.